The following is an entry in ClinVar:

ClinVar aggregate classification (germline): Uncertain significance (1 of 4 stars; one submission).

Submission:

Labcorp Genetics (formerly Invitae), Labcorp
Classification: Uncertain significance. Last evaluated: 2025-09-23. Review status: criteria provided, single submitter. Criteria: Invitae Variant Classification Sherloc (09022015). Collection method: clinical testing. Allele origin: germline.
Comment: This sequence change replaces aspartic acid, which is acidic and polar, with histidine, which is basic and polar, at codon 427 of the FAT4 protein (p.Asp427His). This variant is not present in population databases (gnomAD no frequency). This variant has not been reported in the literature in individuals affected with FAT4-related conditions. Invitae Evidence Modeling of protein sequence and biophysical properties (such as structural, functional, and spatial information, amino acid conservation, physicochemical variation, residue mobility, and thermodynamic stability) has been performed for this missense variant. However, the output from this modeling did not meet the statistical confidence thresholds required to predict the impact of this variant on FAT4 protein function. In summary, the available evidence is currently insufficient to determine the role of this variant in disease. Therefore, it has been classified as a Variant of Uncertain Significance.

NM_001291303.3(FAT4):c.1279G>C (p.Asp427His)

Gene: FAT4 (FAT atypical cadherin 4; plus strand). Cytogenetic location: 4q28.1.
Variant type: single nucleotide variant.
Coding change: c.1279G>C on transcript NM_001291303.3 (MANE Select); coding-DNA position 1279, G replaced by C.
Protein change: p.Asp427His; replaces aspartic acid 427 with histidine.
Molecular consequence: missense variant. On other transcripts: intron variant (1).
Genome position (GRCh38, 1-based): chr4:125,317,690, G>C. VCF-style: chr4-125317690-G-C. GRCh37 (hg19) VCF-style: chr4-126238845-G-C.
Other names: c.1279G>C, p.Asp427His (NM_001291285.3, NM_001438396.1, NM_001438397.1 and 1 more transcripts); c.-55+1713G>C (NM_001437895.1); short protein forms D427H.
Identifiers: ClinVar variation 4745912 (VCV004745912.1).